The following is an entry in ClinVar:

ClinVar aggregate classification (germline): Likely pathogenic (1 of 4 stars; one submission).

Conditions:
Bifunctional peroxisomal enzyme deficiency (DBIF). Also called: DBP DEFICIENCY; PBFE DEFICIENCY; D-bifunctional protein deficiency. Identifiers: Orphanet 300, MedGen C0342870, MONDO:0009855, OMIM 261515. Disease mechanism: loss of function.

Submission:

Women's Health and Genetics/Laboratory Corporation of America, LabCorp
Classification: Likely pathogenic for Bifunctional peroxisomal enzyme deficiency. Last evaluated: 2026-03-10. Review status: criteria provided, single submitter. Criteria: LabCorp Variant Classification Summary - May 2015. Collection method: clinical testing. Allele origin: germline.
Comment: Variant summary: HSD17B4 c.472A>G (p.Asn158Asp) results in a conservative amino acid change in the encoded protein sequence. Algorithms developed to predict the effect of missense changes on protein structure and function are either unavailable or do not agree on the potential impact of this missense change. The variant was absent in 251074 control chromosomes (gnomAD). c.472A>G has been observed in an individual affected with D-Bifunctional Protein Deficiency (Ferdinandusse_2006). At least one publication reports experimental evidence evaluating an impact on protein function. The most pronounced variant effect results in <10% of normal activity (Mehtala_2013). The following publications have been ascertained in the context of this evaluation (PMID: 16385454, 23308274). No submitters have cited clinical-significance assessments for this variant to ClinVar. Based on the evidence outlined above, the variant was classified as likely pathogenic.

Literature cited by the submitters: PubMed 16385454; PubMed 23308274.

NM_000414.4(HSD17B4):c.472A>G (p.Asn158Asp)

Gene: HSD17B4 (hydroxysteroid 17-beta dehydrogenase 4; plus strand). Cytogenetic location: 5q23.1.
Variant type: single nucleotide variant.
Coding change: c.472A>G on transcript NM_000414.4 (MANE Select); coding-DNA position 472, A replaced by G.
Protein change: p.Asn158Asp; replaces asparagine 158 with aspartic acid.
Molecular consequence: missense variant. On other transcripts: non-coding transcript variant (2).
Genome position (GRCh38, 1-based): chr5:119,478,871, A>G. VCF-style: chr5-119478871-A-G. GRCh37 (hg19) VCF-style: chr5-118814566-A-G.
Other names: c.547A>G, p.Asn183Asp (NM_001199291.3); c.418A>G, p.Asn140Asp (NM_001199292.2); c.400A>G, p.Asn134Asp (NM_001292027.2); c.52A>G, p.Asn18Asp (NM_001292028.2); c.463A>G, p.Asn155Asp (NM_001374497.1); c.472A>G, p.Asn158Asp (NM_001374498.1); c.145A>G, p.Asn49Asp (NM_001374499.1); c.31A>G, p.Asn11Asp (NM_001374500.1); and 1 more; short protein forms N11D, N134D, N140D, N155D, N158D, N183D, N18D, N21D.
Identifiers: ClinVar variation 4847346 (VCV004847346.1).